The following is an entry in ClinVar:

ClinVar aggregate classification (germline): Uncertain significance. Review status: criteria provided, multiple submitters, no conflicts (2 of 4 stars). 2 submissions from 2 submitters: Uncertain significance (2). Last evaluated 2023-07-27.

Conditions:
Ataxia-telangiectasia syndrome (AT). Also called: LOUIS-BAR SYNDROME; Cerebello-oculocutaneous telangiectasia; Immunodeficiency with ataxia telangiectasia; Ataxia-telangiectasia, complementation group E; Ataxia-telangiectasia, complementation group D; AT, COMPLEMENTATION GROUP C. Identifiers: Orphanet 100, MedGen C0004135, MONDO:0008840, OMIM 208900.

Submissions (2):

Labcorp Genetics (formerly Invitae), Labcorp
Classification: Uncertain significance for Ataxia-telangiectasia syndrome. Last evaluated: 2023-07-27. Review status: criteria provided, single submitter. Criteria: Invitae Variant Classification Sherloc (09022015). Collection method: clinical testing. Allele origin: germline.
Comment: An algorithm developed to predict the effect of missense changes on protein structure and function (PolyPhen-2) suggests that this variant is likely to be tolerated. In summary, the available evidence is currently insufficient to determine the role of this variant in disease. Therefore, it has been classified as a Variant of Uncertain Significance. This variant has not been reported in the literature in individuals affected with ATM-related conditions. This variant is not present in population databases (gnomAD no frequency). This sequence change replaces glutamic acid, which is acidic and polar, with glycine, which is neutral and non-polar, at codon 2676 of the ATM protein (p.Glu2676Gly).

GeneDx
Classification: Uncertain significance. Last evaluated: 2023-05-12. Review status: criteria provided, single submitter. Criteria: GeneDx Variant Classification Process June 2021. Collection method: clinical testing. Allele origin: germline. Affected: yes.
Comment: Not observed at significant frequency in large population cohorts (gnomAD); In silico analysis supports that this missense variant does not alter protein structure/function; Has not been previously published as pathogenic or benign to our knowledge

NM_000051.4(ATM):c.8027A>G (p.Glu2676Gly)

Genes: ATM (ATM serine/threonine kinase; plus strand), C11orf65 (chromosome 11 open reading frame 65; minus strand). Cytogenetic location: 11q22.3.
Variant type: single nucleotide variant.
Coding change: c.8027A>G on transcript NM_000051.4 (MANE Select); coding-DNA position 8027, A replaced by G.
Protein change: p.Glu2676Gly; replaces glutamic acid 2676 with glycine.
Molecular consequence: missense variant. On other transcripts: intron variant (2).
Genome position (GRCh38, 1-based): chr11:108,334,985, A>G. VCF-style: chr11-108334985-A-G. GRCh37 (hg19) VCF-style: chr11-108205712-A-G.
Other names: c.8027A>G, p.Glu2676Gly (NM_001351834.2); c.641-25914T>C (NM_001330368.2); c.*38+235T>C (NM_001351110.2); short protein forms E2676G.
Identifiers: ClinVar variation 2662367 (VCV002662367.4), dbSNP rs2136653996, ClinGen allele CA382561869.